The following is an entry in ClinVar:

NM_000101.4(CYBA):c.539C>G (p.Pro180Arg)

Gene: CYBA (cytochrome b-245 alpha chain; minus strand). Cytogenetic location: 16q24.2.
Variant type: single nucleotide variant.
Coding change: c.539C>G on transcript NM_000101.4 (MANE Select); coding-DNA position 539, C replaced by G.
Protein change: p.Pro180Arg; replaces proline 180 with arginine.
Molecular consequence: missense variant.
Genome position (GRCh38, 1-based): chr16:88,643,402, G>C on the plus strand (C>G on the coding strand, the complement: CYBA is on the minus strand). VCF-style: chr16-88643402-G-C. GRCh37 (hg19) VCF-style: chr16-88709810-G-C.
Other names: short protein forms P180R.
Identifiers: ClinVar variation 649833 (VCV000649833.6), dbSNP rs1207976536, ClinGen allele CA397056458.
Genomic context (GRCh38, chr16:88,643,402, plus strand): 5'-CCGGGGCGAGGTCACACGACCTCGTCGGTCACCGGGATGGGGTTGACCTGGGGACCTCCC[G>C]GGGGTCCCCCCGCCGCCACCGCAGCCTCCTCCTCGCTGGGCTTCTTGCGGGCCTCGGCCG-3'
Protein context (NP_000092.2, residues 170-190): EEAAVAAGGP[Pro180Arg]GGPQVNPIPV

ClinVar aggregate classification (germline): Uncertain significance (1 of 4 stars; one submission).

Conditions:
Granulomatous disease, chronic, autosomal recessive, cytochrome b-negative. Also called: GRANULOMATOUS DISEASE, CHRONIC, AUTOSOMAL RECESSIVE, 4; Chronic granulomatous disease, autosomal, due to deficiency of CYBA; CGD DUE TO DEFICIENCY OF THE ALPHA SUBUNIT OF CYTOCHROME b; CGD, AUTOSOMAL RECESSIVE CYTOCHROME b-NEGATIVE; CYBA DEFICIENCY. Identifiers: Orphanet 379, MedGen C1856255, MONDO:0009308, OMIM 233690.

gnomAD v4.1: 1 of 1,534,512 alleles (0.000065%); highest among the groups gnomAD compares: Non-Finnish European, 0.000087%; no homozygotes.

Submission:

Labcorp Genetics (formerly Invitae), Labcorp
Classification: Uncertain significance for Granulomatous disease, chronic, autosomal recessive, cytochrome b-negative. Last evaluated: 2021-08-27. Review status: criteria provided, single submitter. Criteria: Invitae Variant Classification Sherloc (09022015). Collection method: clinical testing. Allele origin: germline.
Comment: This sequence change replaces proline with arginine at codon 180 of the CYBA protein (p.Pro180Arg). The proline residue is weakly conserved and there is a moderate physicochemical difference between proline and arginine. The frequency data for this variant in the population databases is considered unreliable, as metrics indicate insufficient coverage at this position in the ExAC database. This variant has not been reported in the literature in individuals affected with CYBA-related conditions. Algorithms developed to predict the effect of missense changes on protein structure and function are either unavailable or do not agree on the potential impact of this missense change (SIFT: "Tolerated"; PolyPhen-2: "Possibly Damaging"; Align-GVGD: "Class C0"). In summary, the available evidence is currently insufficient to determine the role of this variant in disease. Therefore, it has been classified as a Variant of Uncertain Significance.